The following is an entry in ClinVar:

ClinVar aggregate classification (germline): Likely pathogenic (1 of 4 stars; one submission).

Conditions:
Hawkinsinuria. Identifiers: Orphanet 2118, MedGen C2931042, MONDO:0007700, OMIM 140350, HP:0034457.
Tyrosinemia type III. Also called: Tyrosinemia type 3; 4-alpha hydroxyphenylpyruvic acid oxidase deficiency; 4-alpha hydroxyphenylpyruvate dioxygenase deficiency; 4-Hydroxyphenylpyruvate dioxygenase deficiency; 4-HYDROXYPHENYLPYRUVIC ACID OXIDASE DEFICIENCY. Identifiers: Orphanet 69723, MedGen C0268623, MONDO:0010162, OMIM 276710.

Submission:

Labcorp Genetics (formerly Invitae), Labcorp
Classification: Likely pathogenic for Tyrosinemia type III; Hawkinsinuria. Last evaluated: 2023-06-29. Review status: criteria provided, single submitter. Criteria: Invitae Variant Classification Sherloc (09022015). Collection method: clinical testing. Allele origin: germline.
Comment: In summary, the currently available evidence indicates that the variant is pathogenic, but additional data are needed to prove that conclusively. Therefore, this variant has been classified as Likely Pathogenic. Algorithms developed to predict the effect of sequence changes on RNA splicing suggest that this variant may disrupt the consensus splice site. This variant has not been reported in the literature in individuals affected with HPD-related conditions. This variant is not present in population databases (gnomAD no frequency). This sequence change affects an acceptor splice site in intron 9 of the HPD gene. It is expected to disrupt RNA splicing. Variants that disrupt the donor or acceptor splice site typically lead to a loss of protein function (PMID: 16199547), and loss-of-function variants in HPD are known to be pathogenic (PMID: 10942115, 23036342).

Literature cited by the submitters: PubMed 16199547; PubMed 10942115; PubMed 23036342.

NM_002150.3(HPD):c.597-1G>A

Genes: TIALD (transcript inducer of AURKA lysosomal degradation; plus strand), HPD (4-hydroxyphenylpyruvate dioxygenase; minus strand). Cytogenetic location: 12q24.31.
Variant type: single nucleotide variant.
Coding change: c.597-1G>A on transcript NM_002150.3 (MANE Select); the canonical splice acceptor site of the intron before coding-DNA position 597, G replaced by A.
Molecular consequence: splice acceptor variant.
Genome position (GRCh38, 1-based): chr12:121,847,215, C>T on the plus strand (G>A on the coding strand, the complement: HPD is on the minus strand). VCF-style: chr12-121847215-C-T. GRCh37 (hg19) VCF-style: chr12-122285121-C-T.
Other names: c.480-1G>A (NM_001171993.2).
Identifiers: ClinVar variation 2949428 (VCV002949428.3), dbSNP rs201751544, ClinGen allele CA244671458.